The following is an entry in ClinVar:

NM_031857.2(PCDHA9):c.2042G>A (p.Arg681Gln)

Genes: PCDHA1 (protocadherin alpha 1; plus strand), PCDHA2 (protocadherin alpha 2; plus strand), PCDHA3 (protocadherin alpha 3; plus strand), PCDHA4 (protocadherin alpha 4; plus strand), PCDHA5 (protocadherin alpha 5; plus strand) and 5 more. Cytogenetic location: 5q31.3.
Variant type: single nucleotide variant.
Coding change: c.2042G>A on transcript NM_031857.2 (MANE Select); coding-DNA position 2042, G replaced by A.
Protein change: p.Arg681Gln; replaces arginine 681 with glutamine.
Molecular consequence: missense variant. On other transcripts: intron variant (10).
Genome position (GRCh38, 1-based): chr5:140,850,537, G>A. VCF-style: chr5-140850537-G-A. GRCh37 (hg19) VCF-style: chr5-140230122-G-A.
Other names: c.2042G>A, p.Arg681Gln (NM_014005.5); c.2394+61853G>A (NM_018900.4); c.1602+62645G>A (NM_031411.3); c.2388+53185G>A (NM_018905.3); c.2394+46946G>A (NM_018906.3); c.2385+40965G>A (NM_018907.4); c.2352+26410G>A (NM_018908.3); c.2394+20052G>A (NM_018909.4); and 3 more; short protein forms R681Q.
Identifiers: ClinVar variation 3056295 (VCV003056295.2), dbSNP rs115218749, ClinGen allele CA3450693.

ClinVar aggregate classification (germline): Likely benign (0 of 4 stars; one submission).

Conditions:
PCDHA9-related disorder. Also called: PCDHA9-related condition.

Allele frequency attached by ClinVar (database versions not stated): gnomAD 0.01665; 1000 Genomes Project 30x 0.01921; TOPMed 0.01932.
gnomAD v4.1: 5,564 of 1,598,212 alleles (0.35%); highest among the groups gnomAD compares: African/African-American, 5.9%; 468 homozygotes.

Submission:

PreventionGenetics, part of Exact Sciences
Classification: Likely benign for PCDHA9-related condition. Last evaluated: 2020-10-02. Review status: no assertion criteria provided. Collection method: clinical testing. Allele origin: germline.
Comment: This variant is classified as likely benign based on ACMG/AMP sequence variant interpretation guidelines (Richards et al. 2015 PMID: 25741868, with internal and published modifications).